The following is an entry in ClinVar:

ClinVar aggregate classification (germline): Uncertain significance (1 of 4 stars; one submission).

Submission:

GeneDx
Classification: Uncertain significance. Last evaluated: 2020-06-23. Review status: criteria provided, single submitter. Criteria: GeneDx Variant Classification Process June 2021. Collection method: clinical testing. Allele origin: germline. Affected: yes.
Comment: Has not been previously published as pathogenic or benign to our knowledge; Not observed in large population cohorts (Lek et al., 2016); In silico analysis supports that this variant does not alter protein structure/function

NM_001308093.3(GATA4):c.251_252delinsCC (p.Gln84Pro)

Gene: GATA4 (GATA binding protein 4). Cytogenetic location: 8p23.1.
Variant type: Indel.
Coding change: c.251_252delinsCC on transcript NM_001308093.3 (MANE Select); coding-DNA positions 251 to 252, the reference bases replaced by CC.
Protein change: p.Gln84Pro; replaces glutamine 84 with proline.
Molecular consequence: missense variant. On other transcripts: intron variant (3).
Genome position: GRCh38 VCF-style: chr8-11708563-AG-CC. GRCh37 (hg19) VCF-style: chr8-11566072-AG-CC.
Other names: c.251_252delinsCC, p.Gln84Pro (NM_002052.5); c.-6+7785_-6+7786delinsCC (NM_001308094.2); c.-3+549_-3+550delinsCC (NM_001374274.1); c.-3+4259_-3+4260delinsCC (NM_001374273.1); short protein forms Q84P.
Identifiers: ClinVar variation 1312762 (VCV001312762.2), dbSNP rs2130068883, ClinGen allele CA2573052962.